The following is an entry in ClinVar:

ClinVar aggregate classification (germline): Benign/Likely benign. Review status: criteria provided, multiple submitters, no conflicts (2 of 4 stars). 3 submissions from 3 submitters: Benign (1); Likely benign (1). 1 of the submissions does not count toward it. Last evaluated 2024-11-27.

Conditions:
CWF19L1-related disorder. Also called: CWF19L1-related condition.

Allele frequency attached by ClinVar (database versions not stated): gnomAD exomes 0.02999; ExAC 0.05371; ESP Exome Variant Server 0.06951; gnomAD 0.07385; TOPMed 0.07695; 1000 Genomes Project 0.08407; 1000 Genomes Project 30x 0.08557.
gnomAD v4.1: 55,774 of 1,613,950 alleles (3.5%); highest among the groups gnomAD compares: African/African-American, 17%; 2,203 homozygotes.

Submissions (3):

Blueprint Genetics
Classification: Likely benign. Last evaluated: 2024-11-27. Review status: criteria provided, single submitter. Criteria: ACMG Guidelines, 2015. Collection method: clinical testing. Allele origin: germline.

Mayo Clinic Laboratories, Mayo Clinic
Classification: Benign. Last evaluated: 2022-03-23. Review status: criteria provided, single submitter. Criteria: ACMG Guidelines, 2015. Collection method: clinical testing. Allele origin: germline. Observed: 32 variant alleles.

PreventionGenetics, part of Exact Sciences
Classification: Benign for CWF19L1-related condition. Last evaluated: 2019-10-30. Review status: no assertion criteria provided. Collection method: clinical testing. Allele origin: germline. Not counted in ClinVar's aggregate classification.
Comment: This variant is classified as benign based on ACMG/AMP sequence variant interpretation guidelines (Richards et al. 2015 PMID: 25741868, with internal and published modifications).

NM_018294.6(CWF19L1):c.900G>A (p.Arg300=)

Gene: CWF19L1 (CWF19 like cell cycle control factor 1; minus strand). Cytogenetic location: 10q24.31.
Variant type: single nucleotide variant.
Coding change: c.900G>A on transcript NM_018294.6 (MANE Select); coding-DNA position 900, G replaced by A.
Protein change: p.Arg300=; no amino-acid change (arginine 300 retained).
Molecular consequence: synonymous variant.
Genome position (GRCh38, 1-based): chr10:100,245,863, C>T on the plus strand (G>A on the coding strand, the complement: CWF19L1 is on the minus strand). VCF-style: chr10-100245863-C-T. GRCh37 (hg19) VCF-style: chr10-102005620-C-T.
Other names: p.Arg300=; c.900G>A, p.Arg300= (NM_001303404.2); c.489G>A, p.Arg163= (NM_001303405.2, NM_001303406.2); c.165G>A, p.Arg55= (NM_001303407.2).
Identifiers: ClinVar variation 3055889 (VCV003055889.4), dbSNP rs12269345, ClinGen allele CA5647039.